The following is an entry in ClinVar:

NM_006899.5(IDH3B):c.601G>A (p.Ala201Thr)

Gene: IDH3B (isocitrate dehydrogenase (NAD(+)) 3 non-catalytic subunit beta; minus strand). Cytogenetic location: 20p13.
Variant type: single nucleotide variant.
Coding change: c.601G>A on transcript NM_006899.5 (MANE Select); coding-DNA position 601, G replaced by A.
Protein change: p.Ala201Thr; replaces alanine 201 with threonine.
Molecular consequence: missense variant. On other transcripts: non-coding transcript variant (1).
Genome position (GRCh38, 1-based): chr20:2,660,521, C>T on the plus strand (G>A on the coding strand, the complement: IDH3B is on the minus strand). VCF-style: chr20-2660521-C-T. GRCh37 (hg19) VCF-style: chr20-2641167-C-T.
Other names: c.601G>A, p.Ala201Thr (NM_001258384.3, NM_001330763.2, NM_174855.4); short protein forms A201T.
Identifiers: ClinVar variation 1926824 (VCV001926824.2), dbSNP rs750406173, ClinGen allele CA9735234.
Genomic context (GRCh38, chr20:2,660,521, plus strand): 5'-TGTTGGCCTTGTGGACAGCAGTGACCTTGCCCCGCCCCTTCTTGGTGGCATAGTCAAAGG[C>T]GAACTTTGCAATCCGCTGAGACTTGGCTCGTGTGACAATCTTCAAACACTCAATCACACC-3'
Protein context (NP_008830.2, residues 191-211): RAKSQRIAKF[Ala201Thr]FDYATKKGRG

ClinVar aggregate classification (germline): Uncertain significance (1 of 4 stars; one submission).

Allele frequency attached by ClinVar (database versions not stated): gnomAD 0.00001; gnomAD exomes 0.00001; TOPMed 0.00001; ExAC 0.00003.
gnomAD v4.1: 10 of 1,614,030 alleles (0.00062%); highest among the groups gnomAD compares: Admixed American, 0.0017%; no homozygotes.

Submission:

Labcorp Genetics (formerly Invitae), Labcorp
Classification: Uncertain significance. Last evaluated: 2022-06-06. Review status: criteria provided, single submitter. Criteria: Invitae Variant Classification Sherloc (09022015). Collection method: clinical testing. Allele origin: germline.
Comment: This sequence change replaces alanine, which is neutral and non-polar, with threonine, which is neutral and polar, at codon 201 of the IDH3B protein (p.Ala201Thr). This variant is present in population databases (rs750406173, gnomAD 0.004%). This variant has not been reported in the literature in individuals affected with IDH3B-related conditions. Algorithms developed to predict the effect of missense changes on protein structure and function are either unavailable or do not agree on the potential impact of this missense change (SIFT: "Not Available"; PolyPhen-2: "Benign"; Align-GVGD: "Not Available"). In summary, the available evidence is currently insufficient to determine the role of this variant in disease. Therefore, it has been classified as a Variant of Uncertain Significance.